The following is an entry in ClinVar:

NM_014629.4(ARHGEF10):c.2435C>T (p.Pro812Leu)

Gene: ARHGEF10 (Rho guanine nucleotide exchange factor 10; plus strand). Cytogenetic location: 8p23.3.
Variant type: single nucleotide variant.
Coding change: c.2435C>T on transcript NM_014629.4 (MANE Select); coding-DNA position 2435, C replaced by T.
Protein change: p.Pro812Leu; replaces proline 812 with leucine.
Molecular consequence: missense variant.
Genome position (GRCh38, 1-based): chr8:1,923,821, C>T. VCF-style: chr8-1923821-C-T. GRCh37 (hg19) VCF-style: chr8-1871987-C-T.
Other names: c.2321C>T, p.Pro774Leu (NM_001308152.2); c.2435C>T, p.Pro812Leu (NM_001308153.3); short protein forms P836L, P774L, P812L.
Identifiers: ClinVar variation 3701354 (VCV003701354.2).
Genomic context (GRCh38, chr8:1,923,821, plus strand): 5'-TTGTTTCTGGCAGATCTGGGCGACCGACGTTCTTTACAGCTGTGTTCAATACGTTCACCC[C>T]TGCCATCAAGGAGTCCTGGGTCAACAGCTTACAGATGGCCAAGCTCGCCCTAGGTAAGGC-3'
Protein context (NP_055444.2, residues 802-822): FFTAVFNTFT[Pro812Leu]AIKESWVNSL

ClinVar aggregate classification (germline): Uncertain significance (1 of 4 stars; one submission).

gnomAD v4.1: 12 of 1,614,194 alleles (0.00074%); highest among the groups gnomAD compares: East Asian, 0.022%; no homozygotes.

Submission:

Labcorp Genetics (formerly Invitae), Labcorp
Classification: Uncertain significance. Last evaluated: 2024-08-03. Review status: criteria provided, single submitter. Criteria: Invitae Variant Classification Sherloc (09022015). Collection method: clinical testing. Allele origin: germline.
Comment: This sequence change replaces proline, which is neutral and non-polar, with leucine, which is neutral and non-polar, at codon 812 of the ARHGEF10 protein (p.Pro812Leu). This variant is not present in population databases (gnomAD no frequency). This variant has not been reported in the literature in individuals affected with ARHGEF10-related conditions. Advanced modeling of protein sequence and biophysical properties (such as structural, functional, and spatial information, amino acid conservation, physicochemical variation, residue mobility, and thermodynamic stability) has been performed at Invitae for this missense variant, however the output from this modeling did not meet the statistical confidence thresholds required to predict the impact of this variant on ARHGEF10 protein function. In summary, the available evidence is currently insufficient to determine the role of this variant in disease. Therefore, it has been classified as a Variant of Uncertain Significance.